The following is an entry in ClinVar:

ClinVar aggregate classification (germline): Uncertain significance (1 of 4 stars; one submission).

Conditions:
Inborn genetic diseases. Identifiers: MedGen C0950123, MeSH D030342.

Submission:

Ambry Genetics
Classification: Uncertain significance for Inborn genetic diseases. Last evaluated: 2025-01-24. Review status: criteria provided, single submitter. Criteria: Ambry Variant Classification Scheme 2023. Collection method: clinical testing. Allele origin: germline.
Comment: The p.Q404E variant (also known as c.1210C>G), located in coding exon 8 of the MECOM gene, results from a C to G substitution at nucleotide position 1210. The glutamine at codon 404 is replaced by glutamic acid, an amino acid with highly similar properties. This amino acid position is conserved. In addition, the in silico prediction for this alteration is inconclusive. Based on the available evidence, the clinical significance of this variant remains unclear.

NM_004991.4(MECOM):c.1210C>G (p.Gln404Glu)

Gene: MECOM (MDS1 and EVI1 complex locus; minus strand). Cytogenetic location: 3q26.2.
Variant type: single nucleotide variant.
Coding change: c.1210C>G on transcript NM_004991.4 (MANE Select); coding-DNA position 1210, C replaced by G.
Protein change: p.Gln404Glu; replaces glutamine 404 with glutamic acid.
Molecular consequence: missense variant. On other transcripts: intron variant (2).
Genome position (GRCh38, 1-based): chr3:169,116,662, G>C on the plus strand (C>G on the coding strand, the complement: MECOM is on the minus strand). VCF-style: chr3-169116662-G-C. GRCh37 (hg19) VCF-style: chr3-168834450-G-C.
Other names: c.841C>G, p.Gln281Glu (NM_001105077.4); c.646C>G, p.Gln216Glu (NM_001105078.4, NM_001164000.2, NM_001205194.2 and 4 more transcripts); c.649C>G, p.Gln217Glu (NM_001163999.2, NM_001366467.2, NM_001366468.2 and 1 more transcripts); c.1210C>G, p.Gln404Glu (NM_001366466.2); c.1133-895C>G (NM_001366473.2); c.569-895C>G (NM_001366474.2); short protein forms Q216E, Q404E, Q281E, Q217E.
Identifiers: ClinVar variation 3871743 (VCV003871743.1).